The following is an entry in ClinVar:

ClinVar aggregate classification (germline): Uncertain significance (1 of 4 stars; one submission).

Conditions:
Inflammatory skin and bowel disease, neonatal, 1. Identifiers: Orphanet 294023, MedGen C3280501, MONDO:0013693, OMIM 614328.

Submission:

Labcorp Genetics (formerly Invitae), Labcorp
Classification: Uncertain significance for Inflammatory skin and bowel disease, neonatal, 1. Last evaluated: 2022-03-03. Review status: criteria provided, single submitter. Criteria: Invitae Variant Classification Sherloc (09022015). Collection method: clinical testing. Allele origin: germline.
Comment: This sequence change creates a premature translational stop signal (p.Val724Serfs*18) in the ADAM17 gene. While this is not anticipated to result in nonsense mediated decay, it is expected to disrupt the last 101 amino acid(s) of the ADAM17 protein. This variant is not present in population databases (gnomAD no frequency). This variant has not been reported in the literature in individuals affected with ADAM17-related conditions. ClinVar contains an entry for this variant (Variation ID: 1006698). Experimental studies and prediction algorithms are not available or were not evaluated, and the functional significance of this variant is currently unknown. In summary, the available evidence is currently insufficient to determine the role of this variant in disease. Therefore, it has been classified as a Variant of Uncertain Significance.

NM_003183.6(ADAM17):c.2169_2178del (p.Val724fs)

Genes: ADAM17 (ADAM metallopeptidase domain 17; minus strand), IAH1 (isoamyl acetate hydrolyzing esterase 1 (putative); plus strand). Cytogenetic location: 2p25.1.
Variant type: Deletion.
Coding change: c.2169_2178del on transcript NM_003183.6 (MANE Select); coding-DNA positions 2169 to 2178, 10 bases deleted (GGTTCGCATT; older notation c.2169_2178delGGTTCGCATT).
Protein change: p.Val724fs; shifts the reading frame from valine 724.
Molecular consequence: frameshift variant.
Genome position (GRCh38, 1-based): chr2:9,490,474-9,490,483, AATGCGAACC deleted on the plus strand (GGTTCGCATT on the coding strand, the reverse complement: ADAM17 is on the minus strand). VCF-style (leftmost placement, unchanged base first): chr2-9490473-TAATGCGAACC-T. GRCh37 (hg19) VCF-style: chr2-9630602-TAATGCGAACC-T.
Other names: c.1509_1518del, p.Val504fs (NM_001382777.1); c.1272_1281del, p.Val425fs (NM_001382778.1); short protein forms V425fs, V504fs, V724fs.
Identifiers: ClinVar variation 1006698 (VCV001006698.4), dbSNP rs1662038678, ClinGen allele CA1237475531.
Genomic context (GRCh38, chr2:9,490,473, plus strand): 5'-AAGGGATCACAGGGGCAGGCTGCAGGCGGCCTGGAGTCTGGGGCGCAGGAAAGGGTTTGA[TAATGCGAACC>T]GATGCAGAATCCATGCTGCTCAGCATTTCGACGTTCTGCAAAGACATGGGTTCAATTGAT-3'